The following is an entry in ClinVar:

ClinVar aggregate classification (germline): Uncertain significance. Review status: criteria provided, multiple submitters, no conflicts (2 of 4 stars). 2 submissions from 2 submitters: Uncertain significance (2). Last evaluated 2022-06-27.

Allele frequency attached by ClinVar (database versions not stated): gnomAD exomes below 0.00001.
gnomAD v4.1: 4 of 1,613,314 alleles (0.00025%); highest among the groups gnomAD compares: South Asian, 0.0011%; no homozygotes.

Submissions (2):

Labcorp Genetics (formerly Invitae), Labcorp
Classification: Uncertain significance. Last evaluated: 2022-06-27. Review status: criteria provided, single submitter. Criteria: Invitae Variant Classification Sherloc (09022015). Collection method: clinical testing. Allele origin: germline.
Comment: This sequence change replaces threonine, which is neutral and polar, with methionine, which is neutral and non-polar, at codon 460 of the SLC1A4 protein (p.Thr460Met). This variant is present in population databases (no rsID available, gnomAD 0.003%). This variant has not been reported in the literature in individuals affected with SLC1A4-related conditions. Algorithms developed to predict the effect of missense changes on protein structure and function (SIFT, PolyPhen-2, Align-GVGD) all suggest that this variant is likely to be disruptive. In summary, the available evidence is currently insufficient to determine the role of this variant in disease. Therefore, it has been classified as a Variant of Uncertain Significance.

Blueprint Genetics
Classification: Uncertain significance. Last evaluated: 2021-10-05. Review status: criteria provided, single submitter. Criteria: ACMG Guidelines, 2015. Collection method: clinical testing. Allele origin: germline.

NM_003038.5(SLC1A4):c.1379C>T (p.Thr460Met)

Gene: SLC1A4 (solute carrier family 1 member 4; plus strand). Cytogenetic location: 2p14.
Variant type: single nucleotide variant.
Coding change: c.1379C>T on transcript NM_003038.5 (MANE Select); coding-DNA position 1379, C replaced by T.
Protein change: p.Thr460Met; replaces threonine 460 with methionine.
Molecular consequence: missense variant.
Genome position (GRCh38, 1-based): chr2:65,020,926, C>T. VCF-style: chr2-65020926-C-T. GRCh37 (hg19) VCF-style: chr2-65248060-C-T.
Other names: c.485C>T, p.Thr162Met (NM_001193493.2); c.719C>T, p.Thr240Met (NM_001348406.2, NM_001348407.2); short protein forms T460M, T162M, T240M.
Identifiers: ClinVar variation 1446032 (VCV001446032.6), dbSNP rs1439142955, ClinGen allele CA347012163.